The following is an entry in ClinVar:

ClinVar aggregate classification (germline): Uncertain significance. Review status: criteria provided, multiple submitters, no conflicts (2 of 4 stars). 2 submissions from 2 submitters: Uncertain significance (2). Last evaluated 2025-12-16.

Conditions:
Loeys-Dietz syndrome 4 (LDS4). Also called: ANEURYSM, AORTIC AND CEREBRAL, WITH ARTERIAL TORTUOSITY AND SKELETAL MANIFESTATIONS; TGFB2-Related Loeys-Dietz Syndrome. Identifiers: MedGen C3553762, MONDO:0013897, OMIM 614816.
Familial thoracic aortic aneurysm and aortic dissection (TAAD). Also called: Thoracic aortic aneurysms and dissections. Identifiers: Orphanet 91387, MedGen C4707243, MONDO:0019625.

gnomAD v4.1: 4 of 1,612,992 alleles (0.00025%); highest among the groups gnomAD compares: African/African-American, 0.0053%; no homozygotes.

Submissions (2):

Ambry Genetics
Classification: Uncertain significance for Familial thoracic aortic aneurysm and aortic dissection. Last evaluated: 2025-12-16. Review status: criteria provided, single submitter. Criteria: Ambry Variant Classification Scheme 2023. Collection method: clinical testing. Allele origin: germline.
Comment: The p.A8T variant (also known as c.22G>A), located in coding exon 1 of the TGFB2 gene, results from a G to A substitution at nucleotide position 22. The alanine at codon 8 is replaced by threonine, an amino acid with similar properties. This amino acid position is conserved. In addition, this alteration is predicted to be tolerated by in silico analysis. Since supporting evidence is limited at this time, the clinical significance of this alteration remains unclear.

Labcorp Genetics (formerly Invitae), Labcorp
Classification: Uncertain significance for Loeys-Dietz syndrome 4. Last evaluated: 2024-05-15. Review status: criteria provided, single submitter. Criteria: Invitae Variant Classification Sherloc (09022015). Collection method: clinical testing. Allele origin: germline.
Comment: This sequence change replaces alanine, which is neutral and non-polar, with threonine, which is neutral and polar, at codon 8 of the TGFB2 protein (p.Ala8Thr). This variant is not present in population databases (gnomAD no frequency). This variant has not been reported in the literature in individuals affected with TGFB2-related conditions. Advanced modeling of protein sequence and biophysical properties (such as structural, functional, and spatial information, amino acid conservation, physicochemical variation, residue mobility, and thermodynamic stability) performed at Invitae indicates that this missense variant is not expected to disrupt TGFB2 protein function with a negative predictive value of 95%. In summary, the available evidence is currently insufficient to determine the role of this variant in disease. Therefore, it has been classified as a Variant of Uncertain Significance.

NM_003238.6(TGFB2):c.22G>A (p.Ala8Thr)

Gene: TGFB2 (transforming growth factor beta 2; plus strand). Cytogenetic location: 1q41.
Variant type: single nucleotide variant.
Coding change: c.22G>A on transcript NM_003238.6 (MANE Select); coding-DNA position 22, G replaced by A.
Protein change: p.Ala8Thr; replaces alanine 8 with threonine.
Molecular consequence: missense variant. On other transcripts: non-coding transcript variant (2).
Genome position (GRCh38, 1-based): chr1:218,346,723, G>A. VCF-style: chr1-218346723-G-A. GRCh37 (hg19) VCF-style: chr1-218520065-G-A.
Other names: c.22G>A, p.Ala8Thr (NM_001135599.4); short protein forms A8T.
Identifiers: ClinVar variation 3176650 (VCV003176650.4), dbSNP rs752870701, ClinGen allele CA344725114.
Genomic context (GRCh38, chr1:218,346,723, plus strand): 5'-GACTTTTAAAAACAACTTTTTTTTCCACTTTTTTAAAAAATGCACTACTGTGTGCTGAGC[G>A]CTTTTCTGATCCTGCATCTGGTCACGGTCGCGCTCAGCCTGTCTACCTGCAGCACACTCG-3'
Protein context (NP_003229.1, residues 1-18): MHYCVLS[Ala8Thr]FLILHLVTVA